The following is an entry in ClinVar:

ClinVar aggregate classification (germline): Uncertain significance. Review status: criteria provided, multiple submitters, no conflicts (2 of 4 stars). 2 submissions from 2 submitters: Uncertain significance (2). Last evaluated 2025-01-21.

Conditions:
Inborn genetic diseases. Identifiers: MedGen C0950123, MeSH D030342.
Mosaic variegated aneuploidy syndrome 1 (MVA1). Also called: Warburton-Anyane-Yeboa syndrome. Identifiers: Orphanet 1052, MedGen C1850343, MONDO:0009759, OMIM 257300.

Allele frequency attached by ClinVar (database versions not stated): ExAC 0.00002; gnomAD exomes 0.00002 and 0.00003; gnomAD 0.00008; TOPMed 0.00014; 1000 Genomes Project 0.00020; 1000 Genomes Project 30x 0.00031.
gnomAD v4.1: 39 of 1,614,152 alleles (0.0024%); highest among the groups gnomAD compares: African/African-American, 0.051%; no homozygotes.

Submissions (2):

Ambry Genetics
Classification: Uncertain significance for Inborn genetic diseases. Last evaluated: 2025-01-21. Review status: criteria provided, single submitter. Criteria: Ambry Variant Classification Scheme 2023. Collection method: clinical testing. Allele origin: germline.

Labcorp Genetics (formerly Invitae), Labcorp
Classification: Uncertain significance for Mosaic variegated aneuploidy syndrome 1. Last evaluated: 2024-05-03. Review status: criteria provided, single submitter. Criteria: Invitae Variant Classification Sherloc (09022015). Collection method: clinical testing. Allele origin: germline.
Comment: This sequence change replaces isoleucine, which is neutral and non-polar, with methionine, which is neutral and non-polar, at codon 935 of the BUB1B protein (p.Ile935Met). This variant is present in population databases (rs550832943, gnomAD 0.05%). This variant has not been reported in the literature in individuals affected with BUB1B-related conditions. ClinVar contains an entry for this variant (Variation ID: 654354). An algorithm developed to predict the effect of missense changes on protein structure and function (PolyPhen-2) suggests that this variant is likely to be disruptive. In summary, the available evidence is currently insufficient to determine the role of this variant in disease. Therefore, it has been classified as a Variant of Uncertain Significance.

NM_001211.6(BUB1B):c.2805C>G (p.Ile935Met)

Genes: BUB1B (BUB1 mitotic checkpoint serine/threonine kinase B; plus strand), BUB1B-PAK6 (BUB1B-PAK6 readthrough; plus strand). Cytogenetic location: 15q15.1.
Variant type: single nucleotide variant.
Coding change: c.2805C>G on transcript NM_001211.6 (MANE Select); coding-DNA position 2805, C replaced by G.
Protein change: p.Ile935Met; replaces isoleucine 935 with methionine.
Molecular consequence: missense variant. On other transcripts: 5 prime UTR variant (2).
Genome position (GRCh38, 1-based): chr15:40,217,622, C>G. VCF-style: chr15-40217622-C-G. GRCh37 (hg19) VCF-style: chr15-40509823-C-G.
Other names: c.-246C>G (NM_001128628.3); c.-163C>G (NM_001128629.3); short protein forms I935M.
Identifiers: ClinVar variation 654354 (VCV000654354.11), dbSNP rs550832943, ClinGen allele CA7476129.